The following is an entry in ClinVar:

ClinVar aggregate classification (germline): Likely pathogenic (3 of 4 stars; one submission).

Conditions:
Deficiency of guanidinoacetate methyltransferase (CCDS2). Also called: GAMT DEFICIENCY; CEREBRAL CREATINE DEFICIENCY SYNDROME 2; Guanidinoacetate Methyltransferase (GAMT) Deficiency. Identifiers: Orphanet 382, MedGen C0574080, MONDO:0012999, OMIM 612736.

Submission:

ClinGen Cerebral Creatine Deficiency Syndromes Variant Curation Expert Panel, ClinGen
Classification: Likely pathogenic for Deficiency of guanidinoacetate methyltransferase. Last evaluated: 2025-10-08. Review status: reviewed by expert panel. Criteria: ClinGen CCDS ACMG Specifications GAMT V2.0.0. Collection method: curation. Allele origin: germline. Inheritance: Autosomal recessive inheritance.
Comment: The NM_000156.6:c.212T>G variant in GAMT is predicted to result in the substitution of methionine by arginine at amino acid 71 (p.Met71Arg). This patient is compound heterozygous for the variant and another variant in GAMT that has been classified as pathogenic for GAMT deficiency by the ClinGen CCDS VCEP, c.418_419del. The variants were confirmed to be in trans by parental testing (Journal of Clinical Pediatrics, 2024 Vol.42 No.12 1039-1046 (article in Chinese), link to article) (PP4_Strong, PM3). The computational predictor REVEL gives a score of 0.931 which is in the range of 0.773-0.932, evidence that correlates with impact to GAMT function at the moderate level (PMID: 36413997) (PP3_Moderate). The variant is absent in gnomAD v4.1.0. (PM2_Supporting). In summary, this variant meets the criteria to be classified as likely pathogenic for GAMT deficiency. GAMT-specific ACMG/AMP criteria applied, as specified by the ClinGen Cerebral Creatine Deficiency Syndromes Variant Curation Expert Panel (Specifications Version 2.0.0): PP4_Strong, PM3, PP4_Moderate, PM2_Supporting (Classification approved by the ClinGen Cerebral Creatine Deficiency Syndromes Variant Curation Expert Panel on October 8, 2025)

NM_000156.6(GAMT):c.212T>G (p.Met71Arg)

Gene: GAMT (guanidinoacetate N-methyltransferase; minus strand). Cytogenetic location: 19p13.3.
Variant type: single nucleotide variant.
Coding change: c.212T>G on transcript NM_000156.6 (MANE Select); coding-DNA position 212, T replaced by G.
Protein change: p.Met71Arg; replaces methionine 71 with arginine.
Molecular consequence: missense variant.
Genome position (GRCh38, 1-based): chr19:1,399,908, A>C on the plus strand (T>G on the coding strand, the complement: GAMT is on the minus strand). VCF-style: chr19-1399908-A-C. GRCh37 (hg19) VCF-style: chr19-1399907-A-C.
Other names: NM_138924.3:c.212T>G; c.212T>G, p.Met71Arg (NM_138924.3); short protein forms M71R.
Identifiers: ClinVar variation 4537498 (VCV004537498.1).
Genomic context (GRCh38, chr19:1,399,908, plus strand): 5'-CACTCGATGATCCAATGCTCATCAATGGGCGCCTCCTGCACCTTTGACGCTGCGATGGCC[A>C]TGCCAAAGCCCACCTCCAGGACCCGGCCCCCTGGGCAGACACAGGGCGCCTGGCATCACT-3'
Protein context (NP_000147.1, residues 61-81): GGRVLEVGFG[Met71Arg]AIAASKVQEA